The following is an entry in ClinVar:

ClinVar aggregate classification (germline): Pathogenic (1 of 4 stars; one submission).

Submission:

CeGaT Center for Human Genetics Tuebingen
Classification: Pathogenic. Last evaluated: 2024-04-01. Review status: criteria provided, single submitter. Criteria: CeGaT Center For Human Genetics Tuebingen Variant Classification Criteria Version 2. Collection method: clinical testing. Allele origin: germline. Affected: yes. Observed: 1 variant allele.
Comment: SETBP1: PVS1, PM2, PS2:Moderate

NM_015559.3(SETBP1):c.2334_2515del (p.Leu779fs)

Gene: SETBP1 (SET binding protein 1; plus strand). Cytogenetic location: 18q12.3.
Variant type: Deletion.
Coding change: c.2334_2515del on transcript NM_015559.3 (MANE Select); coding-DNA positions 2334 to 2515, 182 bases deleted.
Protein change: p.Leu779fs; shifts the reading frame from leucine 779.
Molecular consequence: frameshift variant.
Genome position (GRCh38, 1-based): chr18:44,951,674-44,951,855, 182 bases deleted. GRCh37 (hg19): chr18:42,531,639-42,531,820.
Other names: c.2334_2515del, p.Leu779fs (NM_001379141.1, NM_001379142.1, NM_001410862.1); short protein forms L779fs.
Identifiers: ClinVar variation 3234741 (VCV003234741.20), dbSNP rs2511471460, ClinGen allele CA2825002687.